The following is an entry in ClinVar:

NM_005188.4(CBL):c.2315A>T (p.Asp772Val)

Gene: CBL (Cbl proto-oncogene; plus strand). Cytogenetic location: 11q23.3.
Variant type: single nucleotide variant.
Coding change: c.2315A>T on transcript NM_005188.4 (MANE Select); coding-DNA position 2315, A replaced by T.
Protein change: p.Asp772Val; replaces aspartic acid 772 with valine.
Molecular consequence: missense variant.
Genome position (GRCh38, 1-based): chr11:119,298,421, A>T. VCF-style: chr11-119298421-A-T. GRCh37 (hg19) VCF-style: chr11-119169131-A-T.
Other names: c.2315A>T (NM_005188.2); short protein forms D772V.
Identifiers: ClinVar variation 1497115 (VCV001497115.9), dbSNP rs2135321028, ClinGen allele CA382929367.
Genomic context (GRCh38, chr11:119,298,421, plus strand): 5'-AAGGGAATTTGGCCGCAGCCCATGCCAACACTGGTCCCGAGGAGTCAGAAAATGAGGATG[A>T]TGGGTATGATGTCCCAAAGCCACCTGTGCCGGCCGTGCTGGCCCGCCGAACTCTCTCAGA-3'
Protein context (NP_005179.2, residues 762-782): TGPEESENED[Asp772Val]GYDVPKPPVP

ClinVar aggregate classification (germline): Uncertain significance. Review status: criteria provided, multiple submitters, no conflicts (2 of 4 stars). 2 submissions from 2 submitters: Uncertain significance (2). Last evaluated 2025-07-08.

Conditions:
RASopathy. Also called: rasopathies; Noonan spectrum disorder. Identifiers: Orphanet 536391, MedGen C5555857, MONDO:0021060.
Cardiovascular phenotype. Identifiers: MedGen CN230736.

Allele frequency attached by ClinVar (database versions not stated): gnomAD exomes 0.00001.
gnomAD v4.1: 10 of 1,614,194 alleles (0.00062%); highest among the groups gnomAD compares: Non-Finnish European, 0.00085%; no homozygotes.

Submissions (2):

Labcorp Genetics (formerly Invitae), Labcorp
Classification: Uncertain significance for RASopathy. Last evaluated: 2025-07-08. Review status: criteria provided, single submitter. Criteria: Invitae Variant Classification Sherloc (09022015). Collection method: clinical testing. Allele origin: germline.
Comment: This sequence change replaces aspartic acid, which is acidic and polar, with valine, which is neutral and non-polar, at codon 772 of the CBL protein (p.Asp772Val). This variant is not present in population databases (gnomAD no frequency). This variant has not been reported in the literature in individuals affected with CBL-related conditions. ClinVar contains an entry for this variant (Variation ID: 1497115). Invitae Evidence Modeling of protein sequence and biophysical properties (such as structural, functional, and spatial information, amino acid conservation, physicochemical variation, residue mobility, and thermodynamic stability) indicates that this missense variant is not expected to disrupt CBL protein function with a negative predictive value of 95%. In summary, the available evidence is currently insufficient to determine the role of this variant in disease. Therefore, it has been classified as a Variant of Uncertain Significance.

Ambry Genetics
Classification: Uncertain significance for Cardiovascular phenotype. Last evaluated: 2025-01-03. Review status: criteria provided, single submitter. Criteria: Ambry Variant Classification Scheme 2023. Collection method: clinical testing. Allele origin: germline.
Comment: The p.D772V variant (also known as c.2315A>T), located in coding exon 15 of the CBL gene, results from an A to T substitution at nucleotide position 2315. The aspartic acid at codon 772 is replaced by valine, an amino acid with highly dissimilar properties. This amino acid position is conserved. In addition, the in silico prediction for this alteration is inconclusive. Based on the available evidence, the clinical significance of this variant remains unclear.